The following is an entry in ClinVar:

NM_006258.4(PRKG1):c.1403+28A>G

Gene: PRKG1 (protein kinase cGMP-dependent 1; plus strand). Cytogenetic location: 10q21.1.
Variant type: single nucleotide variant.
Coding change: c.1403+28A>G on transcript NM_006258.4 (MANE Select); 28 bases into the intron after coding-DNA position 1403, A replaced by G.
Molecular consequence: intron variant.
Genome position (GRCh38, 1-based): chr10:52,272,509, A>G. VCF-style: chr10-52272509-A-G. GRCh37 (hg19) VCF-style: chr10-54032269-A-G.
Other names: c.1358+28A>G (NM_001098512.3).
Identifiers: ClinVar variation 674909 (VCV000674909.2), dbSNP rs76977136, ClinGen allele CA5503843.

ClinVar aggregate classification (germline): Benign. Review status: criteria provided, multiple submitters, no conflicts (2 of 4 stars). 2 submissions from 2 submitters: Benign (2). Last evaluated 2018-06-14.

Allele frequency attached by ClinVar (database versions not stated): ESP Exome Variant Server 0.00777; gnomAD exomes 0.02273 and 0.05759; gnomAD 0.02474 and 0.02988; TOPMed 0.03718; ExAC 0.05317; 1000 Genomes Project 30x 0.07698; 1000 Genomes Project 0.08387.
gnomAD v4.1: 35,274 of 1,497,760 alleles (2.4%); highest among the groups gnomAD compares: East Asian, 29%; 3,192 homozygotes.

Submissions (2):

GeneDx
Classification: Benign. Last evaluated: 2018-06-14. Review status: criteria provided, single submitter. Criteria: GeneDx Variant Classification (06012015). Collection method: clinical testing. Allele origin: germline. Affected: yes.
Comment: This variant is considered likely benign or benign based on one or more of the following criteria: it is a conservative change, it occurs at a poorly conserved position in the protein, it is predicted to be benign by multiple in silico algorithms, and/or has population frequency not consistent with disease.

Breakthrough Genomics
Classification: Benign. Review status: criteria provided, single submitter. Criteria: ACMG Guidelines, 2015. Collection method: not provided. Allele origin: germline. Inheritance: Autosomal dominant inheritance. Affected: yes.